The following is an entry in ClinVar:

ClinVar aggregate classification (germline): Uncertain significance (1 of 4 stars; one submission).

Conditions:
Hereditary cancer-predisposing syndrome. Also called: Hereditary Cancer Syndrome; Hereditary neoplastic syndrome; Tumor predisposition; Neoplastic Syndromes, Hereditary. Identifiers: Orphanet 140162, MedGen C0027672, MeSH D009386, MONDO:0015356.

Submission:

Ambry Genetics
Classification: Uncertain significance for Hereditary cancer-predisposing syndrome. Last evaluated: 2024-08-27. Review status: criteria provided, single submitter. Criteria: Ambry Variant Classification Scheme 2023. Collection method: clinical testing. Allele origin: germline.
Comment: The p.R56G variant (also known as c.166A>G), located in coding exon 1 of the GREM1 gene, results from an A to G substitution at nucleotide position 166. The arginine at codon 56 is replaced by glycine, an amino acid with dissimilar properties. This amino acid position is conserved. In addition, this alteration is predicted to be tolerated by in silico analysis. Based on the available evidence, the clinical significance of this variant remains unclear.

NM_013372.7(GREM1):c.166A>G (p.Arg56Gly)

Gene: GREM1 (gremlin 1, DAN family BMP antagonist; plus strand). Cytogenetic location: 15q13.3.
Variant type: single nucleotide variant.
Coding change: c.166A>G on transcript NM_013372.7 (MANE Select); coding-DNA position 166, A replaced by G.
Protein change: p.Arg56Gly; replaces arginine 56 with glycine.
Molecular consequence: missense variant. On other transcripts: intron variant (2).
Genome position (GRCh38, 1-based): chr15:32,730,856, A>G. VCF-style: chr15-32730856-A-G. GRCh37 (hg19) VCF-style: chr15-33023057-A-G.
Other names: c.166A>G, p.Arg56Gly (NM_001368719.1); c.114+52A>G (NM_001191323.2); c.28-72A>G (NM_001191322.2); short protein forms R56G.
Identifiers: ClinVar variation 3522511 (VCV003522511.1).